The following is an entry in ClinVar:

NM_015340.4(LARS2):c.1705T>C (p.Phe569Leu)

Genes: LARS2 (leucyl-tRNA synthetase 2, mitochondrial; plus strand), LARS2-AS1 (LARS2 antisense RNA 1; minus strand). Cytogenetic location: 3p21.31.
Variant type: single nucleotide variant.
Coding change: c.1705T>C on transcript NM_015340.4 (MANE Select); coding-DNA position 1705, T replaced by C.
Protein change: p.Phe569Leu; replaces phenylalanine 569 with leucine.
Molecular consequence: missense variant.
Genome position (GRCh38, 1-based): chr3:45,500,524, T>C. VCF-style: chr3-45500524-T-C. GRCh37 (hg19) VCF-style: chr3-45542016-T-C.
Other names: c.1705T>C, p.Phe569Leu (NM_001368263.1); short protein forms F569L.
Identifiers: ClinVar variation 3340671 (VCV003340671.1).

ClinVar aggregate classification (germline): Uncertain significance (1 of 4 stars; one submission).

gnomAD v4.1: 7 of 1,582,948 alleles (0.00044%); highest among the groups gnomAD compares: South Asian, 0.0012%; no homozygotes.

Submission:

GeneDx
Classification: Uncertain significance. Last evaluated: 2023-11-15. Review status: criteria provided, single submitter. Criteria: GeneDx Variant Classification Process June 2021. Collection method: clinical testing. Allele origin: germline. Affected: yes.
Comment: Not observed at a significant frequency in large population cohorts (gnomAD); In silico analysis supports that this missense variant does not alter protein structure/function; Has not been previously published as pathogenic or benign to our knowledge